The following is an entry in ClinVar:

NM_000081.4(LYST):c.10723C>T (p.Pro3575Ser)

Gene: LYST (lysosomal trafficking regulator; minus strand). Cytogenetic location: 1q42.3.
Variant type: single nucleotide variant.
Coding change: c.10723C>T on transcript NM_000081.4 (MANE Select); coding-DNA position 10723, C replaced by T.
Protein change: p.Pro3575Ser; replaces proline 3575 with serine.
Molecular consequence: missense variant.
Genome position (GRCh38, 1-based): chr1:235,687,026, G>A on the plus strand (C>T on the coding strand, the complement: LYST is on the minus strand). VCF-style: chr1-235687026-G-A. GRCh37 (hg19) VCF-style: chr1-235850326-G-A.
Other names: c.10723C>T, p.Pro3575Ser (NM_001301365.1); short protein forms P3575S.
Identifiers: ClinVar variation 863751 (VCV000863751.4), dbSNP rs376474918, ClinGen allele CA1465298.

ClinVar aggregate classification (germline): Uncertain significance (1 of 4 stars; one submission).

Conditions:
Chédiak-Higashi syndrome (CHS). Also called: Chediak-Higashi Syndrome. Identifiers: Orphanet 167, MedGen C0007965, MONDO:0008963, OMIM 214500.

Allele frequency attached by ClinVar (database versions not stated): TOPMed 0.00001; ExAC 0.00002; gnomAD 0.00002; ESP Exome Variant Server 0.00008.
gnomAD v4.1: 5 of 1,613,300 alleles (0.00031%); highest among the groups gnomAD compares: African/African-American, 0.004%; no homozygotes.

Submission:

Labcorp Genetics (formerly Invitae), Labcorp
Classification: Uncertain significance for Chédiak-Higashi syndrome. Last evaluated: 2022-08-23. Review status: criteria provided, single submitter. Criteria: Invitae Variant Classification Sherloc (09022015). Collection method: clinical testing. Allele origin: germline.
Comment: This sequence change replaces proline, which is neutral and non-polar, with serine, which is neutral and polar, at codon 3575 of the LYST protein (p.Pro3575Ser). This variant is present in population databases (rs376474918, gnomAD 0.01%). This variant has not been reported in the literature in individuals affected with LYST-related conditions. ClinVar contains an entry for this variant (Variation ID: 863751). Algorithms developed to predict the effect of missense changes on protein structure and function are either unavailable or do not agree on the potential impact of this missense change (SIFT: "Tolerated"; PolyPhen-2: "Probably Damaging"; Align-GVGD: "Class C0"). In summary, the available evidence is currently insufficient to determine the role of this variant in disease. Therefore, it has been classified as a Variant of Uncertain Significance.